The following is an entry in ClinVar:

NM_001267550.2(TTN):c.106238C>G (p.Pro35413Arg)

Genes: TTN (titin; minus strand), TTN-AS1 (TTN antisense RNA 1; plus strand). Cytogenetic location: 2q31.2.
Variant type: single nucleotide variant.
Coding change: c.106238C>G on transcript NM_001267550.2 (MANE Select); coding-DNA position 106238, C replaced by G.
Protein change: p.Pro35413Arg; replaces proline 35413 with arginine.
Molecular consequence: missense variant.
Genome position (GRCh38, 1-based): chr2:178,530,377, G>C on the plus strand (C>G on the coding strand, the complement: TTN is on the minus strand). VCF-style: chr2-178530377-G-C. GRCh37 (hg19) VCF-style: chr2-179395104-G-C.
Other names: c.101315C>G, p.Pro33772Arg (NM_001256850.1); c.79043C>G, p.Pro26348Arg (NM_003319.4); c.98534C>G, p.Pro32845Arg (NM_133378.4); c.79418C>G, p.Pro26473Arg (NM_133432.3); c.79619C>G, p.Pro26540Arg (NM_133437.4); short protein forms P26540R, P33772R, P35413R, P26348R, P26473R, P32845R.
Identifiers: ClinVar variation 962610 (VCV000962610.12), dbSNP rs1688567795, ClinGen allele CA349406474.
Genomic context (GRCh38, chr2:178,530,377, plus strand): 5'-GAAGAAACAGTTGTATCCTGCAACCCAGTAACAATTACTGGTTTTGAGGAAATTGGTTCA[G>C]GAGCTTTTGGTTCAGTTTTTCTGGTTACTGTTGACTCAGTGGTTTTCTGATCTGATTTCT-3'
Protein context (NP_001254479.2, residues 35403-35423): TVTRKTEPKA[Pro35413Arg]EPISSKPVIV

ClinVar aggregate classification (germline): Conflicting classifications of pathogenicity. Review status: criteria provided, conflicting classifications (1 of 4 stars). 4 submissions from 4 submitters: Uncertain significance (3); Likely benign (1). Last evaluated 2026-03-27.

Conditions:
Dilated cardiomyopathy 1G (CMD1G). Identifiers: Orphanet 154, MedGen C1858763, MONDO:0011400, OMIM 604145.
Autosomal recessive limb-girdle muscular dystrophy type 2J (LGMDR10). Also called: Limb-girdle muscular dystrophy, type 2J; MUSCULAR DYSTROPHY, LIMB-GIRDLE, AUTOSOMAL RECESSIVE 10. Identifiers: Orphanet 140922, MedGen C1837342, MONDO:0012127, OMIM 608807.

Allele frequency attached by ClinVar (database versions not stated): gnomAD exomes below 0.00001.
gnomAD v4.1: 1 of 1,613,922 alleles (0.000062%); highest among the groups gnomAD compares: Non-Finnish European, 0.000085%; no homozygotes.

Submissions (4):

Molecular Diagnostic Laboratory for Inherited Cardiovascular Disease, Montreal Heart Institute
Classification: Likely benign. Last evaluated: 2026-03-27. Review status: criteria provided, single submitter. Criteria: ACMG Guidelines, 2015. Collection method: clinical testing. Allele origin: germline. Affected: no.
Comment: BP1;BP4

Women's Health and Genetics/Laboratory Corporation of America, LabCorp
Classification: Uncertain significance. Last evaluated: 2024-02-19. Review status: criteria provided, single submitter. Criteria: LabCorp Variant Classification Summary - May 2015. Collection method: clinical testing. Allele origin: germline.
Comment: Variant summary: TTN c.98534C>G (p.Pro32845Arg) results in a non-conservative amino acid change located in the M-band domain of the encoded protein sequence. Three of four in-silico tools predict a benign effect of the variant on protein function. The variant was absent in 249088 control chromosomes. The available data on variant occurrences in the general population are insufficient to allow any conclusion about variant significance. To our knowledge, no occurrence of c.98534C>G in individuals affected with Limb-Girdle Muscular Dystrophy, Type 2J and no experimental evidence demonstrating its impact on protein function have been reported. ClinVar contains an entry for this variant (Variation ID: 962610). Based on the evidence outlined above, the variant was classified as uncertain significance.

Revvity Omics, Revvity
Classification: Uncertain significance. Last evaluated: 2021-05-19. Review status: criteria provided, single submitter. Criteria: ACMG Guidelines, 2015. Collection method: clinical testing. Allele origin: germline.

Labcorp Genetics (formerly Invitae), Labcorp
Classification: Uncertain significance for Dilated cardiomyopathy 1G; Autosomal recessive limb-girdle muscular dystrophy type 2J. Last evaluated: 2019-11-01. Review status: criteria provided, single submitter. Criteria: Invitae Variant Classification Sherloc (09022015). Collection method: clinical testing. Allele origin: germline.
Comment: Algorithms developed to predict the effect of missense changes on protein structure and function are unavailable for the TTN gene. This variant is located in the M band of TTN (PMID: 25589632). Variants in this region may be relevant for neuromuscular disorders, but have not been definitively shown to cause cardiomyopathy (PMID: 23975875). In summary, the available evidence is currently insufficient to determine the role of this variant in disease. Therefore, it has been classified as a Variant of Uncertain Significance. This variant has not been reported in the literature in individuals with TTN-related conditions. This variant is not present in population databases (ExAC no frequency). This sequence change replaces proline with arginine at codon 35413 of the TTN protein (p.Pro35413Arg). There is a moderate physicochemical difference between proline and arginine.

Literature cited by the submitters: PubMed 25589632 (cited by Labcorp Genetics (formerly Invitae), Labcorp); PubMed 23975875 (cited by Labcorp Genetics (formerly Invitae), Labcorp).